The following is an entry in ClinVar:

ClinVar aggregate classification (germline): Uncertain significance (1 of 4 stars; one submission).

Allele frequency attached by ClinVar (database versions not stated): ExAC 0.00001; gnomAD 0.00001; TOPMed 0.00001.
gnomAD v4.1: 3 of 1,612,938 alleles (0.00019%); highest among the groups gnomAD compares: Non-Finnish European, 0.00025%; no homozygotes.

Submission:

Labcorp Genetics (formerly Invitae), Labcorp
Classification: Uncertain significance. Last evaluated: 2025-04-16. Review status: criteria provided, single submitter. Criteria: Invitae Variant Classification Sherloc (09022015). Collection method: clinical testing. Allele origin: germline.
Comment: This sequence change replaces proline, which is neutral and non-polar, with leucine, which is neutral and non-polar, at codon 1979 of the DSCAML1 protein (p.Pro1979Leu). The frequency data for this variant in the population databases is considered unreliable, as metrics indicate poor data quality at this position in the gnomAD database. This variant has not been reported in the literature in individuals affected with DSCAML1-related conditions. ClinVar contains an entry for this variant (Variation ID: 1366203). An algorithm developed to predict the effect of missense changes on protein structure and function (PolyPhen-2) suggests that this variant is likely to be tolerated. In summary, the available evidence is currently insufficient to determine the role of this variant in disease. Therefore, it has been classified as a Variant of Uncertain Significance.

NM_020693.4(DSCAML1):c.5756C>T (p.Pro1919Leu)

Gene: DSCAML1 (DS cell adhesion molecule like 1; minus strand). Cytogenetic location: 11q23.3.
Variant type: single nucleotide variant.
Coding change: c.5756C>T on transcript NM_020693.4 (MANE Select); coding-DNA position 5756, C replaced by T.
Protein change: p.Pro1919Leu; replaces proline 1919 with leucine.
Molecular consequence: missense variant.
Genome position (GRCh38, 1-based): chr11:117,428,734, G>A on the plus strand (C>T on the coding strand, the complement: DSCAML1 is on the minus strand). VCF-style: chr11-117428734-G-A. GRCh37 (hg19) VCF-style: chr11-117299450-G-A.
Other names: short protein forms P1919L.
Identifiers: ClinVar variation 1366203 (VCV001366203.7), dbSNP rs767147787, ClinGen allele CA6295977.